The following is an entry in ClinVar:

NM_000875.5(IGF1R):c.80C>A (p.Pro27Gln)

Genes: IGF1R (insulin like growth factor 1 receptor; plus strand), IRAIN (IGF1R antisense imprinted non-protein coding RNA; minus strand). Cytogenetic location: 15q26.3.
Variant type: single nucleotide variant.
Coding change: c.80C>A on transcript NM_000875.5 (MANE Select); coding-DNA position 80, C replaced by A.
Protein change: p.Pro27Gln; replaces proline 27 with glutamine.
Molecular consequence: missense variant. On other transcripts: non-coding transcript variant (1).
Genome position (GRCh38, 1-based): chr15:98,649,661, C>A. VCF-style: chr15-98649661-C-A. GRCh37 (hg19) VCF-style: chr15-99192890-C-A.
Other names: c.80C>A, p.Pro27Gln (NM_001291858.2); short protein forms P27Q.
Identifiers: ClinVar variation 3686319 (VCV003686319.2).
Genomic context (GRCh38, chr15:98,649,661, plus strand): 5'-GAGGGTCCCCGACCTCGCTGTGGGGGCTCCTGTTTCTCTCCGCCGCGCTCTCGCTCTGGC[C>A]GACGAGTGGAGAAAGTGAGTATGTGCCCGCCGCCCGCGGCCACTGCGGGAACTTTTCCTC-3'
Protein context (NP_000866.1, residues 17-37): LFLSAALSLW[Pro27Gln]TSGEICGPGI

ClinVar aggregate classification (germline): Uncertain significance (1 of 4 stars; one submission).

gnomAD v4.1: 6 of 1,609,946 alleles (0.00037%); highest among the groups gnomAD compares: Admixed American, 0.0034%; no homozygotes.

Submission:

Labcorp Genetics (formerly Invitae), Labcorp
Classification: Uncertain significance. Last evaluated: 2025-12-19. Review status: criteria provided, single submitter. Criteria: Invitae Variant Classification Sherloc (09022015). Collection method: clinical testing. Allele origin: germline.
Comment: This sequence change replaces proline, which is neutral and non-polar, with glutamine, which is neutral and polar, at codon 27 of the IGF1R protein (p.Pro27Gln). This variant is present in population databases (rs779890447, gnomAD 0.003%). This variant has not been reported in the literature in individuals affected with IGF1R-related conditions. ClinVar contains an entry for this variant (Variation ID: 3686319). An algorithm developed to predict the effect of missense changes on protein structure and function (PolyPhen-2) suggests that this variant is likely to be disruptive. In summary, the available evidence is currently insufficient to determine the role of this variant in disease. Therefore, it has been classified as a Variant of Uncertain Significance.